The following is an entry in ClinVar:

NM_014845.6(FIG4):c.1584-8T>A

Gene: FIG4 (FIG4 phosphoinositide 5-phosphatase; plus strand). Cytogenetic location: 6q21.
Variant type: single nucleotide variant.
Coding change: c.1584-8T>A on transcript NM_014845.6 (MANE Select); 8 bases into the intron before coding-DNA position 1584, T replaced by A.
Molecular consequence: intron variant.
Genome position (GRCh38, 1-based): chr6:109,766,721, T>A. VCF-style: chr6-109766721-T-A. GRCh37 (hg19) VCF-style: chr6-110087924-T-A.
Other names: p.?.
Identifiers: ClinVar variation 260446 (VCV000260446.65), dbSNP rs199522051, ClinGen allele CA3956144.

ClinVar aggregate classification (germline): Conflicting classifications of pathogenicity. Review status: criteria provided, conflicting classifications (1 of 4 stars). 11 submissions from 10 submitters: Uncertain significance (1); Benign (4); Likely benign (6). Last evaluated 2026-05-01.

Conditions:
Charcot-Marie-Tooth disease. Also called: Charcot-Marie-Tooth Hereditary Neuropathy; Charcot-Marie-Tooth Neuropathy. Identifiers: Orphanet 166, MedGen C0007959, MONDO:0015626.
Charcot-Marie-Tooth disease type 4. Also called: Charcot-Marie-Tooth disease, type IV; Charcot-Marie-Tooth, Type 4. Identifiers: Orphanet 64749, MedGen C4082197, MONDO:0018995.
Charcot-Marie-Tooth disease type 4J (CMT4J). Also called: CHARCOT-MARIE-TOOTH DISEASE, AUTOSOMAL RECESSIVE, TYPE 4J; Charcot-Marie-Tooth Neuropathy Type 4J; CHARCOT-MARIE-TOOTH DISEASE, DEMYELINATING, TYPE 4J. Identifiers: Orphanet 139515, MedGen C1970011, MONDO:0012640, OMIM 611228.
Amyotrophic lateral sclerosis type 11 (ALS11). Identifiers: Orphanet 803, MedGen C2675491, MONDO:0012945, OMIM 612577.

Allele frequency attached by ClinVar (database versions not stated): 1000 Genomes Project 0.00040; TOPMed 0.00053; 1000 Genomes Project 30x 0.00062; gnomAD 0.00084 and 0.00086; ESP Exome Variant Server 0.00092; ExAC 0.00103.
gnomAD v4.1: 1,422 of 1,613,232 alleles (0.088%); highest among the groups gnomAD compares: Non-Finnish European, 0.085%; 2 homozygotes.

Submissions (11):

CeGaT Center for Human Genetics Tuebingen
Classification: Likely benign. Last evaluated: 2026-05-01. Review status: criteria provided, single submitter. Criteria: CeGaT Center For Human Genetics Tuebingen Variant Classification Criteria Version 2. Collection method: clinical testing. Allele origin: germline. Affected: yes. Observed: 13 variant alleles.
Comment: FIG4: BP4, BS2

Labcorp Genetics (formerly Invitae), Labcorp
Classification: Benign for Charcot-Marie-Tooth disease type 4. Last evaluated: 2026-01-12. Review status: criteria provided, single submitter. Criteria: Invitae Variant Classification Sherloc (09022015). Collection method: clinical testing. Allele origin: germline.

Mayo Clinic Laboratories, Mayo Clinic
Classification: Likely benign. Last evaluated: 2025-01-31. Review status: criteria provided, single submitter. Criteria: ACMG Guidelines, 2015. Collection method: clinical testing. Allele origin: germline. Observed: 5 variant alleles.
Comment: BS1, BP4, BP7

Blueprint Genetics
Classification: Likely benign. Last evaluated: 2024-11-26. Review status: criteria provided, single submitter. Criteria: ACMG Guidelines, 2015. Collection method: clinical testing. Allele origin: germline.

ARUP Laboratories, Molecular Genetics and Genomics, ARUP Laboratories
Classification: Benign. Last evaluated: 2021-01-14. Review status: criteria provided, single submitter. Criteria: ARUP Molecular Germline Variant Investigation Process 2021. Collection method: clinical testing. Allele origin: germline.

Illumina Laboratory Services, Illumina
Classification: Uncertain significance for Charcot-Marie-Tooth disease type 4J. Last evaluated: 2018-01-13. Review status: criteria provided, single submitter. Criteria: ICSL Variant Classification Criteria 13 December 2019. Collection method: clinical testing. Allele origin: germline.

Illumina Laboratory Services, Illumina
Classification: Likely benign for Amyotrophic lateral sclerosis type 11. Last evaluated: 2018-01-13. Review status: criteria provided, single submitter. Criteria: ICSL Variant Classification Criteria 13 December 2019. Collection method: clinical testing. Allele origin: germline.
Comment: This variant was observed in the ICSL laboratory as part of a predisposition screen in an ostensibly healthy population. It had not been previously curated by ICSL or reported in the Human Gene Mutation Database (HGMD: prior to June 1st, 2018), and was therefore a candidate for classification through an automated scoring system. Utilizing variant allele frequency, disease prevalence and penetrance estimates, and inheritance mode, an automated score was calculated to assess if this variant is too frequent to cause the disease. Based on the score and internal cut-off values, a variant classified as likely benign is not then subjected to further curation. The score for this variant resulted in a classification of likely benign for this disease.

Athena Diagnostics
Classification: Benign. Last evaluated: 2017-09-19. Review status: criteria provided, single submitter. Criteria: Athena Diagnostics Criteria. Collection method: clinical testing. Allele origin: germline.

GeneDx
Classification: Benign. Last evaluated: 2015-07-17. Review status: criteria provided, single submitter. Criteria: GeneDx Variant Classification (06012015). Collection method: clinical testing. Allele origin: germline. Affected: yes.
Comment: This variant is considered likely benign or benign based on one or more of the following criteria: it is a conservative change, it occurs at a poorly conserved position in the protein, it is predicted to be benign by multiple in silico algorithms, and/or has population frequency not consistent with disease.

Molecular Genetics Laboratory, London Health Sciences Centre
Classification: Likely benign for Charcot-Marie-Tooth disease. Review status: criteria provided, single submitter. Criteria: ACMG Guidelines, 2015. Collection method: clinical testing. Allele origin: germline. Affected: yes.

PreventionGenetics, part of Exact Sciences
Classification: Likely benign. Review status: criteria provided, single submitter. Criteria: ACMG Guidelines, 2015. Collection method: clinical testing. Allele origin: germline.